The following is an entry in ClinVar:

ClinVar aggregate classification (germline): Benign. Review status: criteria provided, multiple submitters, no conflicts (2 of 4 stars). 7 submissions from 7 submitters: Benign (6). 1 of the submissions does not count toward it. Last evaluated 2026-02-03.

Conditions:
Landau-Kleffner syndrome (FESD). Also called: APHASIA, ACQUIRED, WITH EPILEPSY; EPILEPSY, FOCAL, WITH SPEECH DISORDER AND WITH OR WITHOUT MENTAL RETARDATION. Identifiers: Orphanet 1945, Orphanet 725, Orphanet 98818, MedGen C0282512, MONDO:0009509, OMIM 245570.

Allele frequency attached by ClinVar (database versions not stated): gnomAD exomes 0.00174 and 0.00460; ExAC 0.00568; gnomAD 0.01855 and 0.01998; ESP Exome Variant Server 0.01901; 1000 Genomes Project 0.01957; TOPMed 0.02097; 1000 Genomes Project 30x 0.02139.
gnomAD v4.1: 5,489 of 1,610,818 alleles (0.34%); highest among the groups gnomAD compares: African/African-American, 6.4%; 174 homozygotes.

Submissions (7):

Labcorp Genetics (formerly Invitae), Labcorp
Classification: Benign for Landau-Kleffner syndrome. Last evaluated: 2026-02-03. Review status: criteria provided, single submitter. Criteria: Invitae Variant Classification Sherloc (09022015). Collection method: clinical testing. Allele origin: germline.

Athena Diagnostics
Classification: Benign. Last evaluated: 2019-06-07. Review status: criteria provided, single submitter. Criteria: Athena Diagnostics Criteria. Collection method: clinical testing. Allele origin: germline.

Illumina Laboratory Services, Illumina
Classification: Benign for Landau-Kleffner syndrome. Last evaluated: 2018-01-13. Review status: criteria provided, single submitter. Criteria: ICSL Variant Classification Criteria 13 December 2019. Collection method: clinical testing. Allele origin: germline.
Comment: This variant was observed in the ICSL laboratory as part of a predisposition screen in an ostensibly healthy population. It had not been previously curated by ICSL or reported in the Human Gene Mutation Database (HGMD: prior to June 1st, 2018), and was therefore a candidate for classification through an automated scoring system. Utilizing variant allele frequency, disease prevalence and penetrance estimates, and inheritance mode, an automated score was calculated to assess if this variant is too frequent to cause the disease. Based on the score and internal cut-off values, a variant classified as benign is not then subjected to further curation. The score for this variant resulted in a classification of benign for this disease.

GeneDx
Classification: Benign. Last evaluated: 2013-11-05. Review status: criteria provided, single submitter. Criteria: GeneDx Variant Classification (06012015). Collection method: clinical testing. Allele origin: germline. Affected: yes.
Comment: This variant is considered likely benign or benign based on one or more of the following criteria: it is a conservative change, it occurs at a poorly conserved position in the protein, it is predicted to be benign by multiple in silico algorithms, and/or has population frequency not consistent with disease.

Breakthrough Genomics
Classification: Benign. Review status: criteria provided, single submitter. Criteria: ACMG Guidelines, 2015. Collection method: not provided. Allele origin: germline. Inheritance: Autosomal dominant inheritance. Affected: yes.

PreventionGenetics, part of Exact Sciences
Classification: Benign. Review status: criteria provided, single submitter. Criteria: ACMG Guidelines, 2015. Collection method: clinical testing. Allele origin: germline.

Genetic Services Laboratory, University of Chicago
Classification: Likely benign for AllHighlyPenetrant. Review status: no assertion criteria provided. Collection method: clinical testing. Allele origin: germline. Inheritance: Autosomal dominant inheritance. Not counted in ClinVar's aggregate classification.
Comment: Likely benign based on allele frequency in 1000 Genomes Project or ESP global frequency and its presence in a patient with a rare or unrelated disease phenotype. NOT Sanger confirmed.

NM_001134407.3(GRIN2A):c.1329-8C>T

Gene: GRIN2A (glutamate ionotropic receptor NMDA type subunit 2A; minus strand). Cytogenetic location: 16p13.2.
Variant type: single nucleotide variant.
Coding change: c.1329-8C>T on transcript NM_001134407.3 (MANE Select); 8 bases into the intron before coding-DNA position 1329, C replaced by T.
Molecular consequence: intron variant.
Genome position (GRCh38, 1-based): chr16:9,841,112, G>A on the plus strand (C>T on the coding strand, the complement: GRIN2A is on the minus strand). VCF-style: chr16-9841112-G-A. GRCh37 (hg19) VCF-style: chr16-9934969-G-A.
Other names: c.1329-8C>T (NM_001134408.2, NM_000833.5).
Identifiers: ClinVar variation 129191 (VCV000129191.22), dbSNP rs7193290, ClinGen allele CA153037.